The following is an entry in ClinVar:

NM_000629.3(IFNAR1):c.1038C>G (p.Phe346Leu)

Gene: IFNAR1 (interferon alpha and beta receptor subunit 1; plus strand). Cytogenetic location: 21q22.11.
Variant type: single nucleotide variant.
Coding change: c.1038C>G on transcript NM_000629.3 (MANE Select); coding-DNA position 1038, C replaced by G.
Protein change: p.Phe346Leu; replaces phenylalanine 346 with leucine.
Molecular consequence: missense variant.
Genome position (GRCh38, 1-based): chr21:33,349,438, C>G. VCF-style: chr21-33349438-C-G. GRCh37 (hg19) VCF-style: chr21-34721744-C-G.
Other names: c.1038C>G, p.Phe346Leu (NM_001384498.1, NM_001384499.1, NM_001384503.1); c.276C>G, p.Phe92Leu (NM_001384500.1); c.1023C>G, p.Phe341Leu (NM_001384501.1); c.576C>G, p.Phe192Leu (NM_001384502.1); c.831C>G, p.Phe277Leu (NM_001384504.1); c.1038C>G (NM_000629.2); short protein forms F92L, F341L, F346L, F192L, F277L.
Identifiers: ClinVar variation 1490361 (VCV001490361.6), dbSNP rs1182039209, ClinGen allele CA410109183.

ClinVar aggregate classification (germline): Conflicting classifications of pathogenicity. Review status: criteria provided, conflicting classifications (1 of 4 stars). 2 submissions from 2 submitters: Uncertain significance (1); Likely benign (1). Last evaluated 2025-08-24.

Allele frequency attached by ClinVar (database versions not stated): TOPMed below 0.00001; gnomAD 0.00001 and 0.00002; gnomAD exomes 0.00001.
gnomAD v4.1: 10 of 1,610,928 alleles (0.00062%); highest among the groups gnomAD compares: Admixed American, 0.013%; no homozygotes.

Submissions (2):

Ambry Genetics
Classification: Likely benign. Last evaluated: 2025-08-24. Review status: criteria provided, single submitter. Criteria: Ambry Variant Classification Scheme 2023. Collection method: clinical testing. Allele origin: germline.

Labcorp Genetics (formerly Invitae), Labcorp
Classification: Uncertain significance. Last evaluated: 2022-09-15. Review status: criteria provided, single submitter. Criteria: Invitae Variant Classification Sherloc (09022015). Collection method: clinical testing. Allele origin: germline.
Comment: This sequence change replaces phenylalanine, which is neutral and non-polar, with leucine, which is neutral and non-polar, at codon 346 of the IFNAR1 protein (p.Phe346Leu). This variant is present in population databases (no rsID available, gnomAD 0.009%). This variant has not been reported in the literature in individuals affected with IFNAR1-related conditions. ClinVar contains an entry for this variant (Variation ID: 1490361). Algorithms developed to predict the effect of missense changes on protein structure and function output the following: SIFT: "Tolerated"; PolyPhen-2: "Benign"; Align-GVGD: "Class C0". The leucine amino acid residue is found in multiple mammalian species, which suggests that this missense change does not adversely affect protein function. In summary, the available evidence is currently insufficient to determine the role of this variant in disease. Therefore, it has been classified as a Variant of Uncertain Significance.